The following is an entry in ClinVar:

NM_000137.4(FAH):c.1062+2T>G

Gene: FAH (fumarylacetoacetate hydrolase; plus strand). Cytogenetic location: 15q25.1.
Variant type: single nucleotide variant.
Coding change: c.1062+2T>G on transcript NM_000137.4 (MANE Select); the canonical splice donor site of the intron after coding-DNA position 1062, T replaced by G.
Molecular consequence: splice donor variant.
Genome position (GRCh38, 1-based): chr15:80,180,227, T>G. VCF-style: chr15-80180227-T-G. GRCh37 (hg19) VCF-style: chr15-80472569-T-G.
Other names: NC_000015.9:g.80472569T>G; c.1062+2T>G (NM_001374380.1, NM_001374377.1).
Identifiers: ClinVar variation 1328148 (VCV001328148.5), dbSNP rs2142107894, ClinGen allele CA393621853.

ClinVar aggregate classification (germline): Pathogenic (1 of 4 stars; one submission).

Conditions:
Tyrosinemia type I (TYRSN1). Also called: HEPATORENAL TYROSINEMIA; FAH DEFICIENCY; Tyrosinemia type 1; Fumarylacetoacetase deficiency; Deficiency of fumarylacetoacetase. Identifiers: Orphanet 882, MedGen C0268490, MONDO:0010161, OMIM 276700. Disease mechanism: loss of function.

Submissions (2):

Illumina Laboratory Services, Illumina
Classification: Pathogenic for Tyrosinemia type I. Last evaluated: 2021-07-29. Review status: criteria provided, single submitter. Criteria: ICSLVariantClassificationCriteria RUGD 01 April 2020. Collection method: clinical testing. Allele origin: unknown.
Comment: The FAH c.1062+2T>G variant occurs at a canonical splice site (donor) and is therefore predicted to disrupt the normal gene product. A literature search was performed for the gene and cDNA change. No publications were found based on this search. This variant is not found in the Genome Aggregation Database (version 2.1.1 or version 3.1.1) in a region of good sequence coverage so the variant is presumed to be rare. Based on the available evidence, the c.1062+2T>G variant is classified as pathogenic for tyrosinemia.

Dr. Peter K. Rogan Lab, Western University
No classification provided (evidence only). Condition: Nonpapillary renal cell carcinoma. Review status: no classification provided. Collection method: in vitro. Allele origin: not applicable. Functional consequence: retained intron. Not counted in ClinVar's aggregate classification.